The following is an entry in ClinVar:

ClinVar aggregate classification (germline): Likely pathogenic (0 of 4 stars; one submission).

Conditions:
Familial cardiomyopathy. Identifiers: MedGen C0264789, MONDO:0005217.

Allele frequency attached by ClinVar (database versions not stated): gnomAD exomes below 0.00001.
gnomAD v4.1: 1 of 1,614,242 alleles (0.000062%); highest among the groups gnomAD compares: South Asian, 0.0011%; no homozygotes.

Submission:

Evolutionary and Medical Genetics Laboratory,  Centre for Cellular and Molecular Biology
Classification: Likely pathogenic. Review status: no assertion criteria provided. Collection method: not provided. Allele origin: unknown.
Comment: Splice site
ClinVar note: Converted during submission from probable-pathogenic to Likely pathogenic.

NM_000257.4(MYH7):c.640-1G>A

Gene: MYH7 (myosin heavy chain 7; minus strand). Cytogenetic location: 14q11.2.
Variant type: single nucleotide variant.
Coding change: c.640-1G>A on transcript NM_000257.4 (MANE Select); the canonical splice acceptor site of the intron before coding-DNA position 640, G replaced by A.
Molecular consequence: splice acceptor variant.
Genome position (GRCh38, 1-based): chr14:23,431,678, C>T on the plus strand (G>A on the coding strand, the complement: MYH7 is on the minus strand). VCF-style: chr14-23431678-C-T. GRCh37 (hg19) VCF-style: chr14-23900887-C-T.
Other names: SS; c.640-1G>A (NM_001407004.1).
Identifiers: ClinVar variation 132934 (VCV000132934.2), dbSNP rs606231315, ClinGen allele CA016596.